The following is an entry in ClinVar:

ClinVar aggregate classification (germline): Uncertain significance (1 of 4 stars; one submission).

Allele frequency attached by ClinVar (database versions not stated): gnomAD 0.00001; gnomAD exomes 0.00001; TOPMed 0.00002; ExAC 0.00005; 1000 Genomes Project 30x 0.00016; 1000 Genomes Project 0.00020.
gnomAD v4.1: 8 of 1,517,976 alleles (0.00053%); highest among the groups gnomAD compares: East Asian, 0.015%; no homozygotes.

Submission:

Labcorp Genetics (formerly Invitae), Labcorp
Classification: Uncertain significance. Last evaluated: 2023-10-10. Review status: criteria provided, single submitter. Criteria: Invitae Variant Classification Sherloc (09022015). Collection method: clinical testing. Allele origin: germline.
Comment: This sequence change replaces lysine, which is basic and polar, with arginine, which is basic and polar, at codon 2302 of the WDR87 protein (p.Lys2302Arg). The frequency data for this variant in the population databases is considered unreliable, as metrics indicate poor data quality at this position in the gnomAD database. This variant has not been reported in the literature in individuals affected with WDR87-related conditions. Experimental studies and prediction algorithms are not available or were not evaluated, and the functional significance of this variant is currently unknown. In summary, the available evidence is currently insufficient to determine the role of this variant in disease. Therefore, it has been classified as a Variant of Uncertain Significance.

NM_001291088.2(WDR87):c.7022A>G (p.Lys2341Arg)

Gene: WDR87 (WD repeat domain 87; minus strand). Cytogenetic location: 19q13.13.
Variant type: single nucleotide variant.
Coding change: c.7022A>G on transcript NM_001291088.2 (MANE Select); coding-DNA position 7022, A replaced by G.
Protein change: p.Lys2341Arg; replaces lysine 2341 with arginine.
Molecular consequence: missense variant.
Genome position (GRCh38, 1-based): chr19:37,886,649, T>C on the plus strand (A>G on the coding strand, the complement: WDR87 is on the minus strand). VCF-style: chr19-37886649-T-C. GRCh37 (hg19) VCF-style: chr19-38377289-T-C.
Other names: c.6905A>G, p.Lys2302Arg (NM_031951.5); short protein forms K2302R, K2341R.
Identifiers: ClinVar variation 2965131 (VCV002965131.3), dbSNP rs552210725, ClinGen allele CA9408443.